The following is an entry in ClinVar:

ClinVar aggregate classification (germline): Conflicting classifications of pathogenicity. Review status: criteria provided, conflicting classifications (1 of 4 stars). 3 submissions from 3 submitters: Uncertain significance (2); Likely benign (1). Last evaluated 2025-03-23.

Conditions:
Distal myopathy with posterior leg and anterior hand involvement. Also called: WILLIAMS DISTAL MYOPATHY. Identifiers: Orphanet 63273, MedGen C3279722, MONDO:0013550, OMIM 614065.
Hypertrophic cardiomyopathy 26. Also called: Cardiomyopathy, familial hypertrophic, 26. Identifiers: Orphanet 75249, MedGen C4310749, MONDO:0014883, OMIM 617047.
Myofibrillar myopathy 5. Also called: Filaminopathy (type); FILAMINOPATHY, AUTOSOMAL DOMINANT. Identifiers: Orphanet 171445, MedGen C1836050, MONDO:0012289, OMIM 609524.
Cardiovascular phenotype. Identifiers: MedGen CN230736.

Allele frequency attached by ClinVar (database versions not stated): TOPMed below 0.00001; gnomAD exomes 0.00001; ExAC 0.00006.
gnomAD v4.1: 17 of 1,540,246 alleles (0.0011%); highest among the groups gnomAD compares: South Asian, 0.017%; no homozygotes.

Submissions (3):

Labcorp Genetics (formerly Invitae), Labcorp
Classification: Likely benign for Distal myopathy with posterior leg and anterior hand involvement; Myofibrillar myopathy 5; Hypertrophic cardiomyopathy 26. Last evaluated: 2025-03-23. Review status: criteria provided, single submitter. Criteria: Invitae Variant Classification Sherloc (09022015). Collection method: clinical testing. Allele origin: germline.

Neuberg Centre For Genomic Medicine, NCGM
Classification: Uncertain significance for Hypertrophic cardiomyopathy 26. Last evaluated: 2023-05-20. Review status: criteria provided, single submitter. Criteria: ACMG Guidelines, 2015. Collection method: clinical testing. Allele origin: germline. Inheritance: Autosomal dominant inheritance. Affected: yes.
Comment: The missense variant c.5287C>A(p.Pro1763Thr) in FLNC gene has not been reported previously as a pathogenic variant nor as a benign variant, to our knowledge. The observed variant has allele frequency of 0.002% in gnomAD exomes database. This variant has been submitted to the ClinVar database as Uncertain Significance (VUS). Multiple lines of computational evidence (Polyphen - benign, SIFT - tolerated and MutationTaster - disease causing) predicts conflicting evidence on protein structure and function for this variant. The reference amino acid change p.Pro1763Thr in FLNC is predicted as conserved by GERP++ and PhyloP across 100 vertebrates. The amino acid Pro at position 1763 is changed to a Thr changing protein sequence and it might alter its composition and physico-chemical properties. For these reasons, this variant has been classified as Uncertain Significance (VUS).

Ambry Genetics
Classification: Uncertain significance for Cardiovascular phenotype. Last evaluated: 2022-03-08. Review status: criteria provided, single submitter. Criteria: Ambry Variant Classification Scheme 2023. Collection method: clinical testing. Allele origin: germline.
Comment: The p.P1763T variant (also known as c.5287C>A), located in coding exon 31 of the FLNC gene, results from a C to A substitution at nucleotide position 5287. The proline at codon 1763 is replaced by threonine, an amino acid with highly similar properties. This amino acid position is conserved. In addition, this alteration is predicted to be tolerated by in silico analysis. Since supporting evidence is limited at this time, the clinical significance of this alteration remains unclear.

NM_001458.5(FLNC):c.5287C>A (p.Pro1763Thr)

Gene: FLNC (filamin C; plus strand). Cytogenetic location: 7q32.1.
Variant type: single nucleotide variant.
Coding change: c.5287C>A on transcript NM_001458.5 (MANE Select); coding-DNA position 5287, C replaced by A.
Protein change: p.Pro1763Thr; replaces proline 1763 with threonine.
Molecular consequence: missense variant. On other transcripts: intron variant (1).
Genome position (GRCh38, 1-based): chr7:128,850,063, C>A. VCF-style: chr7-128850063-C-A. GRCh37 (hg19) VCF-style: chr7-128490117-C-A.
Other names: c.5200-321C>A (NM_001127487.2); short protein forms P1763T.
Identifiers: ClinVar variation 1746597 (VCV001746597.6), dbSNP rs749076427, ClinGen allele CA4475630.